The following is an entry in ClinVar:

ClinVar aggregate classification (germline): Benign/Likely benign. Review status: criteria provided, multiple submitters, no conflicts (2 of 4 stars). 5 submissions from 5 submitters: Benign (2); Likely benign (2). 1 of the submissions does not count toward it. Last evaluated 2026-06-01.

Conditions:
MYT1L-related disorder. Also called: MYT1L-related condition.
Inborn genetic diseases. Identifiers: MedGen C0950123, MeSH D030342.
Intellectual developmental disorder, autosomal dominant 39. Also called: Mental retardation, autosomal dominant 39; Intellectual disability, autosomal dominant 39. Identifiers: MedGen C4225296, MONDO:0014678, OMIM 616521.

Submissions (5):

CeGaT Center for Human Genetics Tuebingen
Classification: Benign. Last evaluated: 2026-06-01. Review status: criteria provided, single submitter. Criteria: CeGaT Center For Human Genetics Tuebingen Variant Classification Criteria Version 2. Collection method: clinical testing. Allele origin: germline. Affected: yes. Observed: 2 variant alleles.
Comment: MYT1L: BS1, BS2

Ambry Genetics
Classification: Likely benign for Inborn genetic diseases. Last evaluated: 2022-02-04. Review status: criteria provided, single submitter. Criteria: Ambry Variant Classification Scheme 2023. Collection method: clinical testing. Allele origin: germline.

Fulgent Genetics
Classification: Likely benign for Intellectual developmental disorder, autosomal dominant 39. Last evaluated: 2021-08-04. Review status: criteria provided, single submitter. Criteria: ACMG Guidelines, 2015. Collection method: clinical testing. Allele origin: unknown.

GeneDx
Classification: Benign. Last evaluated: 2021-01-11. Review status: criteria provided, single submitter. Criteria: GeneDx Variant Classification Process June 2021. Collection method: clinical testing. Allele origin: germline. Affected: yes.

PreventionGenetics, part of Exact Sciences
Classification: Likely benign for MYT1L-related condition. Last evaluated: 2021-12-30. Review status: no assertion criteria provided. Collection method: clinical testing. Allele origin: germline. Not counted in ClinVar's aggregate classification.
Comment: This variant is classified as likely benign based on ACMG/AMP sequence variant interpretation guidelines (Richards et al. 2015 PMID: 25741868, with internal and published modifications).

NM_001303052.2(MYT1L):c.468GGA[8] (p.Glu167dup)

Gene: MYT1L (myelin transcription factor 1 like; minus strand). Cytogenetic location: 2p25.3.
Variant type: Microsatellite.
Coding change: c.468GGA[8] on transcript NM_001303052.2 (MANE Select); eight copies in a row of the 3-base unit GGA starting at c.468; the reference has seven copies in a row; one copy, 3 bases duplicated.
Protein change: p.Glu167dup; duplicates glutamic acid 167.
Molecular consequence: inframe insertion.
Genome position (GRCh38, 1-based): chr2:1,942,999-1,943,001, TCC duplicated on the plus strand (GGA on the coding strand, the reverse complement: MYT1L is on the minus strand); duplicating any 3 consecutive bases within chr2:1,942,999-1,943,021 gives the same sequence; the position shown is the placement nearest the transcript's 3' end. VCF-style (leftmost placement, unchanged base first): chr2-1942998-T-TTCC. GRCh37 (hg19) VCF-style: chr2-1946770-T-TTCC.
Other names: c.468GGA[8], p.Glu167dup (NM_001329844.2, NM_001329845.1, NM_001329846.3 and 6 more transcripts); c.486_488dupGGA (NM_001303052.1, NM_015025.2).
Identifiers: ClinVar variation 1290816 (VCV001290816.30), dbSNP rs148009982, ClinGen allele CA1514391.